The following is an entry in ClinVar:

ClinVar aggregate classification (germline): Likely pathogenic (1 of 4 stars; one submission).

Conditions:
Intestinal hypomagnesemia 1. Also called: HYPOMAGNESEMIA, INTESTINAL, WITH SECONDARY HYPOCALCEMIA; HYPOMAGNESEMIC TETANY. Identifiers: Orphanet 30924, MedGen C1865974, MONDO:0011176, OMIM 602014.

Submission:

Victorian Clinical Genetics Services, Murdoch Childrens Research Institute
Classification: Likely pathogenic for Intestinal hypomagnesemia 1. Last evaluated: 2024-10-04. Review status: criteria provided, single submitter. Criteria: ACMG Guidelines, 2015. Collection method: clinical testing. Allele origin: germline. Affected: yes.
Comment: This variant is classified as Likely pathogenic. Evidence in support of pathogenic classification: Canonical splice site variant without proven consequence on splicing (no functional evidence available); Variant is absent from gnomAD (v2, v3 and v4); Abnormal splicing is predicted by in silico tool and affected nucleotide is highly conserved. Additional information: This variant is heterozygous; This gene is associated with autosomal recessive disease; This variant has no previous evidence of pathogenicity; No published segregation evidence has been identified for this variant; No published functional evidence has been identified for this variant; No comparable splice variants have previous evidence for pathogenicity; Loss of function is a known mechanism of disease in this gene and is associated with intestinal hypomagnesaemia 1 (MIM#602014); Inheritance information for this variant is not currently available in this individual.

NM_017662.5(TRPM6):c.1135-2A>G

Gene: TRPM6 (transient receptor potential cation channel subfamily M member 6; minus strand). Cytogenetic location: 9q21.13.
Variant type: single nucleotide variant.
Coding change: c.1135-2A>G on transcript NM_017662.5 (MANE Select); the canonical splice acceptor site of the intron before coding-DNA position 1135, A replaced by G.
Molecular consequence: splice acceptor variant.
Genome position (GRCh38, 1-based): chr9:74,816,966, T>C on the plus strand (A>G on the coding strand, the complement: TRPM6 is on the minus strand). VCF-style: chr9-74816966-T-C. GRCh37 (hg19) VCF-style: chr9-77431882-T-C.
Other names: c.1120-2A>G (NM_001177310.2, NM_001177311.2).
Identifiers: ClinVar variation 4532129 (VCV004532129.1).